The following is an entry in ClinVar:

ClinVar aggregate classification (germline): Uncertain significance. Review status: criteria provided, multiple submitters, no conflicts (2 of 4 stars). 6 submissions from 6 submitters: Uncertain significance (3). 3 of the submissions do not count toward it. Last evaluated 2025-07-01.

Conditions:
Inborn genetic diseases. Identifiers: MedGen C0950123, MeSH D030342.
FRAS1-related disorder. Also called: FRAS1-related condition.

Allele frequency attached by ClinVar (database versions not stated): 1000 Genomes Project 30x 0.00031; 1000 Genomes Project 0.00040; gnomAD 0.00047 and 0.00049; gnomAD exomes 0.00047; ExAC 0.00052; ESP Exome Variant Server 0.00017; TOPMed 0.00024.
gnomAD v4.1: 606 of 1,612,788 alleles (0.038%); highest among the groups gnomAD compares: Non-Finnish European, 0.036%; 1 homozygote.

Submissions (6):

CeGaT Center for Human Genetics Tuebingen
Classification: Uncertain significance. Last evaluated: 2025-07-01. Review status: criteria provided, single submitter. Criteria: CeGaT Center For Human Genetics Tuebingen Variant Classification Criteria Version 2. Collection method: clinical testing. Allele origin: germline. Affected: yes. Observed: 1 variant allele.
Comment: FRAS1: PM2:Supporting, BP4

Labcorp Genetics (formerly Invitae), Labcorp
Classification: Uncertain significance. Last evaluated: 2025-01-13. Review status: criteria provided, single submitter. Criteria: Invitae Variant Classification Sherloc (09022015). Collection method: clinical testing. Allele origin: germline.
Comment: This sequence change replaces valine, which is neutral and non-polar, with isoleucine, which is neutral and non-polar, at codon 1909 of the FRAS1 protein (p.Val1909Ile). This variant is present in population databases (rs182652779, gnomAD 0.2%), and has an allele count higher than expected for a pathogenic variant. This variant has not been reported in the literature in individuals affected with FRAS1-related conditions. ClinVar contains an entry for this variant (Variation ID: 1284950). Invitae Evidence Modeling of protein sequence and biophysical properties (such as structural, functional, and spatial information, amino acid conservation, physicochemical variation, residue mobility, and thermodynamic stability) indicates that this missense variant is not expected to disrupt FRAS1 protein function with a negative predictive value of 80%. In summary, the available evidence is currently insufficient to determine the role of this variant in disease. Therefore, it has been classified as a Variant of Uncertain Significance.

Ambry Genetics
Classification: Uncertain significance for Inborn genetic diseases. Last evaluated: 2022-06-09. Review status: criteria provided, single submitter. Criteria: Ambry Variant Classification Scheme 2023. Collection method: clinical testing. Allele origin: germline.

PreventionGenetics, part of Exact Sciences
Classification: Likely benign for FRAS1-related condition. Last evaluated: 2024-02-29. Review status: no assertion criteria provided. Collection method: clinical testing. Allele origin: germline. Not counted in ClinVar's aggregate classification.
Comment: This variant is classified as likely benign based on ACMG/AMP sequence variant interpretation guidelines (Richards et al. 2015 PMID: 25741868, with internal and published modifications).

Clinical Genetics DNA and cytogenetics Diagnostics Lab, Erasmus MC, Erasmus Medical Center
Classification: Likely benign. Review status: no assertion criteria provided. Collection method: clinical testing. Allele origin: germline. Affected: yes. Study: VKGL Data-share Consensus. Not counted in ClinVar's aggregate classification.

Genome Diagnostics Laboratory, University Medical Center Utrecht
Classification: Benign. Review status: no assertion criteria provided. Collection method: clinical testing. Allele origin: germline. Affected: yes. Study: VKGL Data-share Consensus. Not counted in ClinVar's aggregate classification.

NM_025074.7(FRAS1):c.5725G>A (p.Val1909Ile)

Gene: FRAS1 (Fraser extracellular matrix complex subunit 1; plus strand). Cytogenetic location: 4q21.21.
Variant type: single nucleotide variant.
Coding change: c.5725G>A on transcript NM_025074.7 (MANE Select); coding-DNA position 5725, G replaced by A.
Protein change: p.Val1909Ile; replaces valine 1909 with isoleucine.
Molecular consequence: missense variant.
Genome position (GRCh38, 1-based): chr4:78,445,581, G>A. VCF-style: chr4-78445581-G-A. GRCh37 (hg19) VCF-style: chr4-79366735-G-A.
Other names: c.5725G>A (NM_025074.6); c.5725G>A, p.Val1909Ile (NM_001166133.2); short protein forms V1909I.
Identifiers: ClinVar variation 1284950 (VCV001284950.17), dbSNP rs182652779, ClinGen allele CA2977594.